The following is an entry in ClinVar:

NM_017433.5(MYO3A):c.115T>C (p.Leu39=)

Gene: MYO3A (myosin IIIA; plus strand). Cytogenetic location: 10p12.1.
Variant type: single nucleotide variant.
Coding change: c.115T>C on transcript NM_017433.5 (MANE Select); coding-DNA position 115, T replaced by C.
Protein change: p.Leu39=; no amino-acid change (leucine 39 retained).
Molecular consequence: synonymous variant.
Genome position (GRCh38, 1-based): chr10:25,952,225, T>C. VCF-style: chr10-25952225-T-C. GRCh37 (hg19) VCF-style: chr10-26241154-T-C.
Other names: c.115T>C, p.Leu39= (NM_001368265.1).
Identifiers: ClinVar variation 2690482 (VCV002690482.24), dbSNP rs764861194, ClinGen allele CA5444199.

ClinVar aggregate classification (germline): Likely benign. Review status: criteria provided, multiple submitters, no conflicts (2 of 4 stars). 4 submissions from 4 submitters: Likely benign (4). Last evaluated 2024-06-01.

Conditions:
Autosomal recessive nonsyndromic hearing loss 30. Identifiers: Orphanet 90636, MedGen C1846784, MONDO:0011774, OMIM 607101.

Allele frequency attached by ClinVar (database versions not stated): TOPMed below 0.00001; gnomAD 0.00001; gnomAD exomes 0.00002; ExAC 0.00005.
gnomAD v4.1: 29 of 1,612,768 alleles (0.0018%); highest among the groups gnomAD compares: South Asian, 0.029%; no homozygotes.

Submissions (4):

CeGaT Center for Human Genetics Tuebingen
Classification: Likely benign. Last evaluated: 2024-06-01. Review status: criteria provided, single submitter. Criteria: CeGaT Center For Human Genetics Tuebingen Variant Classification Criteria Version 2. Collection method: clinical testing. Allele origin: germline. Affected: yes. Observed: 1 variant allele.
Comment: MYO3A: BP4, BP7

Revvity Omics, Revvity
Classification: Likely benign for Autosomal recessive nonsyndromic hearing loss 30. Last evaluated: 2023-11-02. Review status: criteria provided, single submitter. Criteria: ACMG Guidelines, 2015. Collection method: clinical testing. Allele origin: germline.

Labcorp Genetics (formerly Invitae), Labcorp
Classification: Likely benign. Last evaluated: 2023-10-29. Review status: criteria provided, single submitter. Criteria: Invitae Variant Classification Sherloc (09022015). Collection method: clinical testing. Allele origin: germline.

Blueprint Genetics
Classification: Likely benign. Last evaluated: 2022-07-11. Review status: criteria provided, single submitter. Criteria: ACMG Guidelines, 2015. Collection method: clinical testing. Allele origin: germline.